The following is an entry in ClinVar:

ClinVar aggregate classification (germline): Uncertain significance (1 of 4 stars; one submission).

Conditions:
Inflammatory skin and bowel disease, neonatal, 1. Identifiers: Orphanet 294023, MedGen C3280501, MONDO:0013693, OMIM 614328.

Submission:

Labcorp Genetics (formerly Invitae), Labcorp
Classification: Uncertain significance for Inflammatory skin and bowel disease, neonatal, 1. Last evaluated: 2022-09-21. Review status: criteria provided, single submitter. Criteria: Invitae Variant Classification Sherloc (09022015). Collection method: clinical testing. Allele origin: germline.
Comment: In summary, the available evidence is currently insufficient to determine the role of this variant in disease. Therefore, it has been classified as a Variant of Uncertain Significance. Algorithms developed to predict the effect of missense changes on protein structure and function are either unavailable or do not agree on the potential impact of this missense change (SIFT: "Not Available"; PolyPhen-2: "Benign"; Align-GVGD: "Not Available"). This variant has not been reported in the literature in individuals affected with ADAM17-related conditions. This variant is not present in population databases (gnomAD no frequency). This sequence change replaces phenylalanine, which is neutral and non-polar, with leucine, which is neutral and non-polar, at codon 708 of the ADAM17 protein (p.Phe708Leu).

NM_003183.6(ADAM17):c.2122T>C (p.Phe708Leu)

Genes: ADAM17 (ADAM metallopeptidase domain 17; minus strand), IAH1 (isoamyl acetate hydrolyzing esterase 1 (putative); plus strand). Cytogenetic location: 2p25.1.
Variant type: single nucleotide variant.
Coding change: c.2122T>C on transcript NM_003183.6 (MANE Select); coding-DNA position 2122, T replaced by C.
Protein change: p.Phe708Leu; replaces phenylalanine 708 with leucine.
Molecular consequence: missense variant.
Genome position (GRCh38, 1-based): chr2:9,491,112, A>G on the plus strand (T>C on the coding strand, the complement: ADAM17 is on the minus strand). VCF-style: chr2-9491112-A-G. GRCh37 (hg19) VCF-style: chr2-9631241-A-G.
Other names: c.1462T>C, p.Phe488Leu (NM_001382777.1); c.1225T>C, p.Phe409Leu (NM_001382778.1); short protein forms F488L, F708L, F409L.
Identifiers: ClinVar variation 1996328 (VCV001996328.4), dbSNP rs2531068011, ClinGen allele CA345794913.